The following is an entry in ClinVar:

ClinVar aggregate classification (germline): Likely pathogenic (1 of 4 stars; one submission).

Conditions:
Primary ciliary dyskinesia 27. Also called: CILIARY DYSKINESIA, PRIMARY, 27, WITHOUT SITUS INVERSUS. Identifiers: Orphanet 244, MedGen C3809701, MONDO:0014215, OMIM 615504.

Submission:

Labcorp Genetics (formerly Invitae), Labcorp
Classification: Likely pathogenic for Primary ciliary dyskinesia 27. Last evaluated: 2021-05-26. Review status: criteria provided, single submitter. Criteria: Invitae Variant Classification Sherloc (09022015). Collection method: clinical testing. Allele origin: germline.
Comment: This sequence change affects a donor splice site in intron 3 of the CCDC65 gene. It is expected to disrupt RNA splicing. Variants that disrupt the donor or acceptor splice site typically lead to a loss of protein function (PMID: 16199547), and loss-of-function variants in CCDC65 are known to be pathogenic (PMID: 23991085, 24094744). This variant is not present in population databases (ExAC no frequency). This variant has not been reported in the literature in individuals with CCDC65-related conditions. In summary, the currently available evidence indicates that the variant is pathogenic, but additional data are needed to prove that conclusively. Therefore, this variant has been classified as Likely Pathogenic. Algorithms developed to predict the effect of sequence changes on RNA splicing suggest that this variant may disrupt the consensus splice site, but this prediction has not been confirmed by published transcriptional studies.

Literature cited by the submitters: PubMed 16199547; PubMed 23991085; PubMed 24094744.

NM_033124.5(DRC2):c.470+1G>A

Gene: DRC2 (dynein regulatory complex subunit 2; plus strand). Cytogenetic location: 12q13.12.
Variant type: single nucleotide variant.
Coding change: c.470+1G>A on transcript NM_033124.5 (MANE Select); the canonical splice donor site of the intron after coding-DNA position 470, G replaced by A.
Molecular consequence: splice donor variant.
Genome position (GRCh38, 1-based): chr12:48,914,574, G>A. VCF-style: chr12-48914574-G-A. GRCh37 (hg19) VCF-style: chr12-49308357-G-A.
Other names: c.41+1G>A (NM_001286957.2).
Identifiers: ClinVar variation 1508617 (VCV001508617.8), dbSNP rs751672400, ClinGen allele CA384626500.
Genomic context (GRCh38, chr12:48,914,574, plus strand): 5'-CCTGGAGGAAAGTTACAACATGGAGCTGGAAGCCCTAACCAAGGAGTTTGAGACAGAAAG[G>A]TATGGGGGCCTAAGAGAAGATGGGGAATTGAATCCAGGGGAGTGCCCAGAGTCCGTGTCA-3'